The following is an entry in ClinVar:

NM_000548.5(TSC2):c.1065G>A (p.Val355=)

Gene: TSC2 (TSC complex subunit 2; plus strand). Cytogenetic location: 16p13.3.
Variant type: single nucleotide variant.
Coding change: c.1065G>A on transcript NM_000548.5 (MANE Select); coding-DNA position 1065, G replaced by A.
Protein change: p.Val355=; no amino-acid change (valine 355 retained).
Molecular consequence: synonymous variant. On other transcripts: 5 prime UTR variant (10), non-coding transcript variant (5).
Genome position (GRCh38, 1-based): chr16:2,060,759, G>A. VCF-style: chr16-2060759-G-A. GRCh37 (hg19) VCF-style: chr16-2110760-G-A.
Other names: c.1065G>A, p.Val355= (NM_001077183.3, NM_001114382.3, NM_001363528.2 and 6 more transcripts); c.954G>A, p.Val318= (NM_001318827.2, NM_001406670.1, NM_001406678.1); c.918G>A, p.Val306= (NM_001318829.2, NM_001406675.1, NM_001406676.1 and 1 more transcripts); c.465G>A, p.Val155= (NM_001318831.2, NM_001406680.1, NM_001406682.1 and 6 more transcripts); c.1098G>A, p.Val366= (NM_001318832.2); c.1155G>A, p.Val385= (NM_001406667.1, NM_001406668.1); c.1053G>A, p.Val351= (NM_001406671.1, NM_001406673.1); c.1008G>A, p.Val336= (NM_001406677.1); and 4 more.
Identifiers: ClinVar variation 2153207 (VCV002153207.5), dbSNP rs2151137423, ClinGen allele CA492960999.
Genomic context (GRCh38, chr16:2,060,759, plus strand): 5'-CTATGAGATCGTCCTGTCCATCACCAGGCTCATCAAGAAGTATAGGAAGGAGCTCCAGGT[G>A]GTGGCGTGGGACATTCTGCTGAACATCATCGAACGGCTCCTTCAGCAGCTCCAGGTGGGG-3'
Protein context (NP_000539.2, residues 345-365): LIKKYRKELQ[Val355=]VAWDILLNII

ClinVar aggregate classification (germline): Conflicting classifications of pathogenicity. Review status: criteria provided, conflicting classifications (1 of 4 stars). 2 submissions from 2 submitters: Uncertain significance (1); Likely benign (1). Last evaluated 2025-03-25.

Conditions:
Hereditary cancer-predisposing syndrome. Also called: Neoplastic Syndromes, Hereditary; Hereditary Cancer Syndrome; Hereditary neoplastic syndrome; Tumor predisposition. Identifiers: Orphanet 140162, MedGen C0027672, MeSH D009386, MONDO:0015356.
Tuberous sclerosis 2 (TSC2). Identifiers: Orphanet 805, MedGen C1860707, MONDO:0013199, OMIM 613254.

Submissions (2):

Ambry Genetics
Classification: Uncertain significance for Hereditary cancer-predisposing syndrome. Last evaluated: 2025-03-25. Review status: criteria provided, single submitter. Criteria: Ambry Variant Classification Scheme 2023. Collection method: clinical testing. Allele origin: germline.
Comment: The c.1065G>A variant (also known as p.V355V), located in coding exon 10 of the TSC2 gene, results from a G to A substitution at nucleotide position 1065. This nucleotide substitution does not change the amino acid at codon 355. This nucleotide position is poorly conserved in available vertebrate species. In silico splice site analysis predicts that this alteration will result in the creation or strengthening of a novel splice donor site. Based on the available evidence, the clinical significance of this variant remains unclear.

Labcorp Genetics (formerly Invitae), Labcorp
Classification: Likely benign for Tuberous sclerosis 2. Last evaluated: 2021-12-16. Review status: criteria provided, single submitter. Criteria: Invitae Variant Classification Sherloc (09022015). Collection method: clinical testing. Allele origin: germline.